The following is an entry in ClinVar:

NM_020845.3(PITPNM2):c.1768G>A (p.Val590Met)

Gene: PITPNM2 (phosphatidylinositol transfer protein membrane associated 2; minus strand). Cytogenetic location: 12q24.31.
Variant type: single nucleotide variant.
Coding change: c.1768G>A on transcript NM_020845.3 (MANE Select); coding-DNA position 1768, G replaced by A.
Protein change: p.Val590Met; replaces valine 590 with methionine.
Molecular consequence: missense variant.
Genome position (GRCh38, 1-based): chr12:122,996,472, C>T on the plus strand (G>A on the coding strand, the complement: PITPNM2 is on the minus strand). VCF-style: chr12-122996472-C-T. GRCh37 (hg19) VCF-style: chr12-123481019-C-T.
Other names: c.1768G>A, p.Val590Met (NM_001300801.2, NM_001384660.1, NM_001384661.1 and 4 more transcripts); short protein forms V590M.
Identifiers: ClinVar variation 2643509 (VCV002643509.24), dbSNP rs147212495, ClinGen allele CA6855078.

ClinVar aggregate classification (germline): Likely benign (1 of 4 stars; one submission).

Allele frequency attached by ClinVar (database versions not stated): 1000 Genomes Project 30x 0.00250; 1000 Genomes Project 0.00260; gnomAD 0.00480; TOPMed 0.00497; ESP Exome Variant Server 0.00500; ExAC 0.00520; gnomAD exomes 0.00574.
gnomAD v4.1: 9,171 of 1,613,086 alleles (0.57%); highest among the groups gnomAD compares: Middle Eastern, 1.2%; 52 homozygotes.

Submission:

CeGaT Center for Human Genetics Tuebingen
Classification: Likely benign. Last evaluated: 2023-02-01. Review status: criteria provided, single submitter. Criteria: CeGaT Center For Human Genetics Tuebingen Variant Classification Criteria Version 2. Collection method: clinical testing. Allele origin: germline. Affected: yes. Observed: 1 variant allele.
Comment: PITPNM2: PP2, BP4, BS2